The following is an entry in ClinVar:

NM_001024630.4(RUNX2):c.89C>G (p.Pro30Arg)

Gene: RUNX2 (RUNX family transcription factor 2; plus strand). Cytogenetic location: 6p21.1.
Variant type: single nucleotide variant.
Coding change: c.89C>G on transcript NM_001024630.4 (MANE Select); coding-DNA position 89, C replaced by G.
Protein change: p.Pro30Arg; replaces proline 30 with arginine.
Molecular consequence: missense variant.
Genome position (GRCh38, 1-based): chr6:45,422,623, C>G. VCF-style: chr6-45422623-C-G. GRCh37 (hg19) VCF-style: chr6-45390360-C-G.
Other names: c.89C>G, p.Pro30Arg (NM_001015051.4); c.47C>G, p.Pro16Arg (NM_001278478.2, NM_001369405.1); short protein forms P16R, P30R.
Identifiers: ClinVar variation 4692361 (VCV004692361.5).
Genomic context (GRCh38, chr6:45,422,623, plus strand): 5'-TTGTGGCTGTTGTGATGCGTATTCCCGTAGATCCGAGCACCAGCCGGCGCTTCAGCCCCC[C>G]CTCCAGCAGCCTGCAGCCCGGCAAAATGAGCGACGTGAGCCCGGTGGTGGCTGCGCAACA-3'
Protein context (NP_001019801.3, residues 20-40): DPSTSRRFSP[Pro30Arg]SSSLQPGKMS

ClinVar aggregate classification (germline): Uncertain significance. Review status: criteria provided, multiple submitters, no conflicts (2 of 4 stars). 2 submissions from 2 submitters: Uncertain significance (2). Last evaluated 2026-03-01.

gnomAD v4.1: 10 of 1,606,964 alleles (0.00062%); highest among the groups gnomAD compares: African/African-American, 0.0054%; no homozygotes.

Submissions (2):

CeGaT Center for Human Genetics Tuebingen
Classification: Uncertain significance. Last evaluated: 2026-03-01. Review status: criteria provided, single submitter. Criteria: CeGaT Center For Human Genetics Tuebingen Variant Classification Criteria Version 2. Collection method: clinical testing. Allele origin: germline. Affected: yes. Observed: 1 variant allele.
Comment: RUNX2: PP3

Labcorp Genetics (formerly Invitae), Labcorp
Classification: Uncertain significance. Last evaluated: 2025-11-01. Review status: criteria provided, single submitter. Criteria: Invitae Variant Classification Sherloc (09022015). Collection method: clinical testing. Allele origin: germline.
Comment: This sequence change replaces proline, which is neutral and non-polar, with arginine, which is basic and polar, at codon 30 of the RUNX2 protein (p.Pro30Arg). This variant is present in population databases (rs573668161, gnomAD 0.004%). This variant has not been reported in the literature in individuals affected with RUNX2-related conditions. Invitae Evidence Modeling of protein sequence and biophysical properties (such as structural, functional, and spatial information, amino acid conservation, physicochemical variation, residue mobility, and thermodynamic stability) indicates that this missense variant is not expected to disrupt RUNX2 protein function with a negative predictive value of 80%. In summary, the available evidence is currently insufficient to determine the role of this variant in disease. Therefore, it has been classified as a Variant of Uncertain Significance.